The following is an entry in ClinVar:

ClinVar aggregate classification (germline): Uncertain significance (1 of 4 stars; one submission).

Submission:

Dasa
Classification: Uncertain significance. Last evaluated: 2024-12-20. Review status: criteria provided, single submitter. Criteria: DASA Assertion Criteria. Collection method: clinical testing. Allele origin: germline.
Comment: NM_001348323.3(TRIP12):c.4096C>G (p.Pro1366Ala) is a missense variant that results in the substitution of proline with alanine. This variant is absent from population databases. The currently available literature and clinical evidence are not sufficient to establish a definitive association between this variant and the reported condition. Therefore, this variant is classified as a variant of uncertain significance.

NM_001348323.3(TRIP12):c.4096C>G (p.Pro1366Ala)

Gene: TRIP12 (thyroid hormone receptor interactor 12; minus strand). Cytogenetic location: 2q36.3.
Variant type: single nucleotide variant.
Coding change: c.4096C>G on transcript NM_001348323.3 (MANE Select); coding-DNA position 4096, C replaced by G.
Protein change: p.Pro1366Ala; replaces proline 1366 with alanine.
Molecular consequence: missense variant.
Genome position (GRCh38, 1-based): chr2:229,793,018, G>C on the plus strand (C>G on the coding strand, the complement: TRIP12 is on the minus strand). VCF-style: chr2-229793018-G-C. GRCh37 (hg19) VCF-style: chr2-230657734-G-C.
Other names: c.4015C>G, p.Pro1339Ala (NM_001284214.2, NM_001348315.2); c.3970C>G, p.Pro1324Ala (NM_001284215.2, NM_001348316.2); c.3061C>G, p.Pro1021Ala (NM_001284216.2); c.3955C>G, p.Pro1319Ala (NM_001348317.1, NM_001348318.2); c.4081C>G, p.Pro1361Ala (NM_001348319.1, NM_001348320.2); c.4084C>G, p.Pro1362Ala (NM_001348321.1); c.4096C>G, p.Pro1366Ala (NM_001348322.1, NM_001348324.2, NM_001348325.2 and 2 more transcripts); c.4099C>G, p.Pro1367Ala (NM_001348328.1, NM_001348329.2, NM_001348330.2); and 4 more; short protein forms P1021A, P1291A, P1292A, P1319A, P1324A, P1332A, P1339A, P1340A.
Identifiers: ClinVar variation 4856876 (VCV004856876.2).